The following is an entry in ClinVar:

ClinVar aggregate classification (germline): Likely pathogenic (1 of 4 stars; one submission).

Conditions:
Autosomal recessive limb-girdle muscular dystrophy type 2E (LGMDR4). Also called: MUSCULAR DYSTROPHY, LIMB-GIRDLE, AUTOSOMAL RECESSIVE 4. Identifiers: Orphanet 119, MedGen C1858593, MONDO:0011423, OMIM 604286. Disease mechanism: Affects gamma-sarcoglycan and also disrupts the integrity of the entire sarcoglycan complex..

Submission:

Natera, Inc.
Classification: Likely pathogenic for Limb-girdle muscular dystrophy type 2E. Last evaluated: 2024-04-03. Review status: criteria provided, single submitter. Criteria: Natera Variant Classification Schema (03/2026). Collection method: clinical testing. Allele origin: germline.
Comment: The c.692delG variant in SGCB is a frameshift variant predicted to shift the reading frame beginning at codon 231 and leads to a stop codon 19 codons downstream. This variant is expected to result in nonsense mediated decay, truncation, or a dysfunctional protein product. This variant is rare in the general population with a frequency below the threshold expected for the associated phenotype(s). Given the available evidence, this variant is classified as Likely Pathogenic.

NM_000232.5(SGCB):c.692del (p.Gly231fs)

Gene: SGCB (sarcoglycan beta; minus strand). Cytogenetic location: 4q12.
Variant type: Deletion.
Coding change: c.692del on transcript NM_000232.5 (MANE Select); coding-DNA position 692, one base deleted (G; older notation c.692delG).
Protein change: p.Gly231fs; shifts the reading frame from glycine 231.
Molecular consequence: frameshift variant.
Genome position (GRCh38, 1-based): chr4:52,028,029, C deleted on the plus strand (G on the coding strand, the reverse complement: SGCB is on the minus strand); the first of 2 consecutive C bases (chr4:52,028,029-52,028,030); deleting either gives the same sequence. VCF-style (leftmost placement, unchanged base first): chr4-52028028-AC-A. GRCh37 (hg19) VCF-style: chr4-52894194-AC-A.
Other names: c.482del, p.Gly161fs (NM_001440519.1); c.395del, p.Gly132fs (NM_001440520.1); c.692delG (NM_000232.4); short protein forms G132fs, G161fs, G231fs.
Identifiers: ClinVar variation 4817950 (VCV004817950.1).